The following is an entry in ClinVar:

NM_001010874.5(TECRL):c.806T>C (p.Val269Ala)

Gene: TECRL (trans-2,3-enoyl-CoA reductase like; minus strand). Cytogenetic location: 4q13.1.
Variant type: single nucleotide variant.
Coding change: c.806T>C on transcript NM_001010874.5 (MANE Select); coding-DNA position 806, T replaced by C.
Protein change: p.Val269Ala; replaces valine 269 with alanine.
Molecular consequence: missense variant.
Genome position (GRCh38, 1-based): chr4:64,289,736, A>G on the plus strand (T>C on the coding strand, the complement: TECRL is on the minus strand). VCF-style: chr4-64289736-A-G. GRCh37 (hg19) VCF-style: chr4-65155454-A-G.
Other names: c.806T>C, p.Val269Ala (NM_001363796.1); short protein forms V269A.
Identifiers: ClinVar variation 1761875 (VCV001761875.3), dbSNP rs775252692, ClinGen allele CA2935357.
Genomic context (GRCh38, chr4:64,289,736, plus strand): 5'-ACTCTAAAGAAAAGAAAAAGAAAAAAGAACTAACCTGTGTGATTGGGATGAGACAACATT[A>G]CATTGATGAAATGATTCCCAGCTTCACAAATCTGCAAAACATTTTAAACACTTTCAGTGT-3'
Protein context (NP_001010874.2, residues 259-279): ICEAGNHFIN[Val269Ala]MLSHPNHTGN

ClinVar aggregate classification (germline): Uncertain significance. Review status: criteria provided, multiple submitters, no conflicts (2 of 4 stars). 2 submissions from 2 submitters: Uncertain significance (2). Last evaluated 2024-09-05.

Conditions:
Cardiovascular phenotype. Identifiers: MedGen CN230736.

Allele frequency attached by ClinVar (database versions not stated): gnomAD exomes 0.00001; ExAC 0.00003; gnomAD 0.00003.
gnomAD v4.1: 14 of 1,550,790 alleles (0.0009%); highest among the groups gnomAD compares: Non-Finnish European, 0.00026%; no homozygotes.

Submissions (2):

Blueprint Genetics
Classification: Uncertain significance. Last evaluated: 2024-09-05. Review status: criteria provided, single submitter. Criteria: ACMG Guidelines, 2015. Collection method: clinical testing. Allele origin: germline.

Ambry Genetics
Classification: Uncertain significance for Cardiovascular phenotype. Last evaluated: 2022-04-19. Review status: criteria provided, single submitter. Criteria: Ambry Variant Classification Scheme 2023. Collection method: clinical testing. Allele origin: germline.
Comment: The p.V269A variant (also known as c.806T>C), located in coding exon 9 of the TECRL gene, results from a T to C substitution at nucleotide position 806. The valine at codon 269 is replaced by alanine, an amino acid with similar properties. This amino acid position is conserved. In addition, this alteration is predicted to be tolerated by in silico analysis. Since supporting evidence is limited at this time, the clinical significance of this alteration remains unclear.